The following is an entry in ClinVar:

ClinVar aggregate classification (germline): Uncertain significance. Review status: criteria provided, multiple submitters, no conflicts (2 of 4 stars). 3 submissions from 3 submitters: Uncertain significance (3). Last evaluated 2025-06-24.

Conditions:
Cone-rod dystrophy 13 (CORD13). Identifiers: Orphanet 1872, MedGen C2750720, MONDO:0011987, OMIM 608194.
Leber congenital amaurosis 6 (LCA6). Identifiers: Orphanet 65, MedGen C1854260, MONDO:0013446, OMIM 613826.
Inborn genetic diseases. Identifiers: MedGen C0950123, MeSH D030342.

Allele frequency attached by ClinVar (database versions not stated): gnomAD exomes 0.00001; ExAC 0.00002; TOPMed 0.00005; gnomAD 0.00006 and 0.00007; 1000 Genomes Project 0.00040; 1000 Genomes Project 30x 0.00047.

Submissions (3):

Ambry Genetics
Classification: Uncertain significance for Inborn genetic diseases. Last evaluated: 2025-06-24. Review status: criteria provided, single submitter. Criteria: Ambry Variant Classification Scheme 2023. Collection method: clinical testing. Allele origin: germline.

Blueprint Genetics
Classification: Uncertain significance. Last evaluated: 2024-08-26. Review status: criteria provided, single submitter. Criteria: ACMG Guidelines, 2015. Collection method: clinical testing. Allele origin: germline.

Labcorp Genetics (formerly Invitae), Labcorp
Classification: Uncertain significance for Leber congenital amaurosis 6; Cone-rod dystrophy 13. Last evaluated: 2022-03-27. Review status: criteria provided, single submitter. Criteria: Invitae Variant Classification Sherloc (09022015). Collection method: clinical testing. Allele origin: germline.
Comment: This sequence change replaces isoleucine, which is neutral and non-polar, with threonine, which is neutral and polar, at codon 1171 of the RPGRIP1 protein (p.Ile1171Thr). This variant is present in population databases (rs202036914, gnomAD 0.01%). This variant has not been reported in the literature in individuals affected with RPGRIP1-related conditions. ClinVar contains an entry for this variant (Variation ID: 1044224). Algorithms developed to predict the effect of missense changes on protein structure and function are either unavailable or do not agree on the potential impact of this missense change (SIFT: "Tolerated"; PolyPhen-2: "Probably Damaging"; Align-GVGD: "Class C0"). In summary, the available evidence is currently insufficient to determine the role of this variant in disease. Therefore, it has been classified as a Variant of Uncertain Significance.

NM_020366.4(RPGRIP1):c.3512T>C (p.Ile1171Thr)

Gene: RPGRIP1 (RPGR interacting protein 1; plus strand). Cytogenetic location: 14q11.2.
Variant type: single nucleotide variant.
Coding change: c.3512T>C on transcript NM_020366.4 (MANE Select); coding-DNA position 3512, T replaced by C.
Protein change: p.Ile1171Thr; replaces isoleucine 1171 with threonine.
Molecular consequence: missense variant.
Genome position (GRCh38, 1-based): chr14:21,343,208, T>C. VCF-style: chr14-21343208-T-C. GRCh37 (hg19) VCF-style: chr14-21811367-T-C.
Other names: c.3512T>C (NM_020366.3); c.1490T>C, p.Ile497Thr (NM_001377523.1, NM_001377950.1); c.2438T>C, p.Ile813Thr (NM_001377948.1); c.1598T>C, p.Ile533Thr (NM_001377949.1); c.995T>C, p.Ile332Thr (NM_001377951.1); short protein forms I1171T, I813T, I332T, I497T, I533T.
Identifiers: ClinVar variation 1044224 (VCV001044224.9), dbSNP rs202036914, ClinGen allele CA7089529.
Genomic context (GRCh38, chr14:21,343,208, plus strand): 5'-TACCCTTGTCGGAGACAGAGACTCCAGTGTCCCTAAGGAAGCCTAGGGCAGGAGAAGAAA[T>C]CCACTTTCACTTTAGCAAGGGTGAGGCATCCTGTGTGGTTACTGGGGTGAGGAAGTCTGA-3'
Protein context (NP_065099.3, residues 1161-1181): SLRKPRAGEE[Ile1171Thr]HFHFSKVIDL